The following is an entry in ClinVar:

ClinVar aggregate classification (germline): Likely benign (0 of 4 stars; one submission).

Conditions:
EP400-related disorder. Also called: EP400-related condition.

Allele frequency attached by ClinVar (database versions not stated): gnomAD 0.00021; TOPMed 0.00028; ESP Exome Variant Server 0.00040; ExAC 0.00088.
gnomAD v4.1: 449 of 1,564,150 alleles (0.029%); highest among the groups gnomAD compares: Admixed American, 0.032%; no homozygotes.

Submission:

PreventionGenetics, part of Exact Sciences
Classification: Likely benign for EP400-related condition. Last evaluated: 2019-03-12. Review status: no assertion criteria provided. Collection method: clinical testing. Allele origin: germline.
Comment: This variant is classified as likely benign based on ACMG/AMP sequence variant interpretation guidelines (Richards et al. 2015 PMID: 25741868, with internal and published modifications).

NM_015409.5(EP400):c.7704G>A (p.Thr2568=)

Gene: EP400 (E1A binding protein p400; plus strand). Cytogenetic location: 12q24.33.
Variant type: single nucleotide variant.
Coding change: c.7704G>A on transcript NM_015409.5 (MANE Select); coding-DNA position 7704, G replaced by A.
Protein change: p.Thr2568=; no amino-acid change (threonine 2568 retained).
Molecular consequence: synonymous variant.
Genome position (GRCh38, 1-based): chr12:132,053,573, G>A. VCF-style: chr12-132053573-G-A. GRCh37 (hg19) VCF-style: chr12-132538118-G-A.
Identifiers: ClinVar variation 3047894 (VCV003047894.2), dbSNP rs367821085, ClinGen allele CA6886837.